The following is an entry in ClinVar:

ClinVar aggregate classification (germline): Likely benign (1 of 4 stars; one submission).

Allele frequency attached by ClinVar (database versions not stated): gnomAD 0.00003; gnomAD exomes 0.00003; TOPMed 0.00003.
gnomAD v4.1: 40 of 1,178,039 alleles (0.0034%); highest among the groups gnomAD compares: South Asian, 0.0038%; no homozygotes.

Submission:

CeGaT Center for Human Genetics Tuebingen
Classification: Likely benign. Last evaluated: 2026-04-01. Review status: criteria provided, single submitter. Criteria: CeGaT Center For Human Genetics Tuebingen Variant Classification Criteria Version 2. Collection method: clinical testing. Allele origin: germline. Affected: yes. Observed: 2 variant alleles.
Comment: TAF1: BP4, BS2

NM_004606.5(TAF1):c.5399+7G>A

Gene: TAF1 (TATA-box binding protein associated factor 1; plus strand). Cytogenetic location: Xq13.1.
Variant type: single nucleotide variant.
Coding change: c.5399+7G>A on transcript NM_004606.5 (MANE Select); 7 bases into the intron after coding-DNA position 5399, G replaced by A.
Molecular consequence: intron variant.
Genome position (GRCh38, 1-based): chrX:71,460,810, G>A. VCF-style: chrX-71460810-G-A. GRCh37 (hg19) VCF-style: chrX-70680660-G-A.
Other names: c.5405+7G>A (NM_001286074.2); c.5336+7G>A (NM_138923.4).
Identifiers: ClinVar variation 2673244 (VCV002673244.23), dbSNP rs773380245, ClinGen allele CA10447389.
Genomic context (GRCh38, chrX:71,460,810, plus strand): 5'-CTATGAGGGAGACGGTGGGGAGGCTTCCCATGGTTTGGAGGATAGCAACATCAGGTAATC[G>A]ACAGCAACATGCTACAGGGCTGTGGCATCAGTGCCCAGCTATGATGTTGAGGGGCCCAAC-3'